The following is an entry in ClinVar:

ClinVar aggregate classification (germline): Likely benign (0 of 4 stars; one submission).

Conditions:
GNAT2-related disorder. Also called: GNAT2-related condition.

gnomAD v4.1: 40 of 1,613,838 alleles (0.0025%); highest among the groups gnomAD compares: South Asian, 0.042%; no homozygotes.

Submission:

PreventionGenetics, part of Exact Sciences
Classification: Likely benign for GNAT2-related condition. Last evaluated: 2019-04-15. Review status: no assertion criteria provided. Collection method: clinical testing. Allele origin: germline.
Comment: This variant is classified as likely benign based on ACMG/AMP sequence variant interpretation guidelines (Richards et al. 2015 PMID: 25741868, with internal and published modifications).

NM_001377295.2(GNAT2):c.303G>C (p.Ala101=)

Gene: GNAT2 (G protein subunit alpha transducin 2; minus strand). Cytogenetic location: 1p13.3.
Variant type: single nucleotide variant.
Coding change: c.303G>C on transcript NM_001377295.2 (MANE Select); coding-DNA position 303, G replaced by C.
Protein change: p.Ala101=; no amino-acid change (alanine 101 retained).
Molecular consequence: synonymous variant.
Genome position (GRCh38, 1-based): chr1:109,610,040, C>G on the plus strand (G>C on the coding strand, the complement: GNAT2 is on the minus strand). VCF-style: chr1-109610040-C-G. GRCh37 (hg19) VCF-style: chr1-110152662-C-G.
Other names: c.303G>C, p.Ala101= (NM_001379232.1, NM_005272.5).
Identifiers: ClinVar variation 3058780 (VCV003058780.2), dbSNP rs183147259, ClinGen allele CA992470.
Genomic context (GRCh38, chr1:109,610,040, plus strand): 5'-ATGTTTCTTCTTGCTAGCCTTTCTGCTTCCACCCTTAACCACATAATAGTAATCACATAC[C>G]GCACAGCTTGGTTCAGCATAATCGATGCCCAGTGTGGTCATGGCCCGGATGATAGCCAGG-3'
Protein context (NP_001364224.1, residues 91-111): LGIDYAEPSC[Ala101=]DDGRQLNNLA